The following is an entry in ClinVar:

ClinVar aggregate classification (germline): Likely benign (1 of 4 stars; one submission).

Allele frequency attached by ClinVar (database versions not stated): 1000 Genomes Project 0.00619; 1000 Genomes Project 30x 0.00640; TOPMed 0.01012; gnomAD 0.01236 and 0.01279.
gnomAD v4.1: 1,873 of 152,338 alleles (1.2%); highest among the groups gnomAD compares: Non-Finnish European, 1.7%; 13 homozygotes.

Submission:

GeneDx
Classification: Likely benign. Last evaluated: 2018-06-14. Review status: criteria provided, single submitter. Criteria: GeneDx Variant Classification (06012015). Collection method: clinical testing. Allele origin: germline. Affected: yes.
Comment: This variant is considered likely benign or benign based on one or more of the following criteria: it is a conservative change, it occurs at a poorly conserved position in the protein, it is predicted to be benign by multiple in silico algorithms, and/or has population frequency not consistent with disease.

NM_000093.5(COL5A1):c.2592+314C>T

Gene: COL5A1 (collagen type V alpha 1 chain; plus strand). Cytogenetic location: 9q34.3.
Variant type: single nucleotide variant.
Coding change: c.2592+314C>T on transcript NM_000093.5 (MANE Select); 314 bases into the intron after coding-DNA position 2592, C replaced by T.
Molecular consequence: intron variant.
Genome position (GRCh38, 1-based): chr9:134,785,410, C>T. VCF-style: chr9-134785410-C-T. GRCh37 (hg19) VCF-style: chr9-137677256-C-T.
Other names: c.2592+314C>T (NM_001278074.1).
Identifiers: ClinVar variation 669728 (VCV000669728.1), dbSNP rs3124933, ClinGen allele CA13003251.